The following is an entry in ClinVar:

ClinVar aggregate classification (germline): Uncertain significance (1 of 4 stars; one submission).

Conditions:
Neuropathy, hereditary sensory and autonomic, type 2A (HSAN2A). Also called: WNK1-Related HSAN2 (HSAN2A); HSAN IIA; ACROOSTEOLYSIS, GIACCAI TYPE; ACROOSTEOLYSIS, NEUROGENIC; MORVAN DISEASE; NEUROPATHY, CONGENITAL SENSORY. Identifiers: Orphanet 970, MedGen C2752089, MONDO:0024309, OMIM 201300.
Generalized epilepsy with febrile seizures plus, type 7 (GEFSP7). Also called: GEFS+, TYPE 7. Identifiers: Orphanet 36387, MedGen C2751778, MONDO:0013470, OMIM 613863.

Submission:

Labcorp Genetics (formerly Invitae), Labcorp
Classification: Uncertain significance for Neuropathy, hereditary sensory and autonomic, type 2A; Generalized epilepsy with febrile seizures plus, type 7. Last evaluated: 2022-09-27. Review status: criteria provided, single submitter. Criteria: Invitae Variant Classification Sherloc (09022015). Collection method: clinical testing. Allele origin: germline.
Comment: This variant is present in population databases (no rsID available, gnomAD 0.003%). This variant has not been reported in the literature in individuals affected with SCN9A-related conditions. Advanced modeling of protein sequence and biophysical properties (such as structural, functional, and spatial information, amino acid conservation, physicochemical variation, residue mobility, and thermodynamic stability) performed at Invitae indicates that this missense variant is not expected to disrupt SCN9A protein function. In summary, the available evidence is currently insufficient to determine the role of this variant in disease. Therefore, it has been classified as a Variant of Uncertain Significance. This sequence change replaces proline, which is neutral and non-polar, with serine, which is neutral and polar, at codon 68 of the SCN9A protein (p.Pro68Ser).

NM_001365536.1(SCN9A):c.202C>T (p.Pro68Ser)

Gene: SCN9A (sodium voltage-gated channel alpha subunit 9; minus strand). Cytogenetic location: 2q24.3.
Variant type: single nucleotide variant.
Coding change: c.202C>T on transcript NM_001365536.1 (MANE Select); coding-DNA position 202, C replaced by T.
Protein change: p.Pro68Ser; replaces proline 68 with serine.
Molecular consequence: missense variant.
Genome position (GRCh38, 1-based): chr2:166,311,555, G>A on the plus strand (C>T on the coding strand, the complement: SCN9A is on the minus strand). VCF-style: chr2-166311555-G-A. GRCh37 (hg19) VCF-style: chr2-167168065-G-A.
Other names: c.202C>T, p.Pro68Ser (NM_002977.4); short protein forms P68S.
Identifiers: ClinVar variation 2158032 (VCV002158032.4), dbSNP rs1333258106, ClinGen allele CA349095884.
Genomic context (GRCh38, chr2:166,311,555, plus strand): 5'-TCACCTTTTTGTCTGCATAGTAGGGGTCCAAGTCCTCCAGGGGCTCTGACACCATGCCGG[G>A]AGGAATGTCCCCATAGATGAAGGGCAGCTGTTTGCCAGCTTCCAAGTCACTGCTTGGCTT-3'
Protein context (NP_001352465.1, residues 58-78): QLPFIYGDIP[Pro68Ser]GMVSEPLEDL